The following is an entry in ClinVar:

ClinVar aggregate classification (germline): Uncertain significance. Review status: criteria provided, multiple submitters, no conflicts (2 of 4 stars). 5 submissions from 5 submitters: Uncertain significance (5). Last evaluated 2022-05-25.

Conditions:
Cystic fibrosis (CF). Also called: MUCOVISCIDOSIS. Identifiers: Orphanet 586, MedGen C0010674, MONDO:0009061, OMIM 219700. Disease mechanism: loss of function.

Allele frequency attached by ClinVar (database versions not stated): gnomAD exomes 0.00001; ExAC 0.00001.
gnomAD v4.1: 3 of 1,570,220 alleles (0.00019%); highest among the groups gnomAD compares: South Asian, 0.0011%; no homozygotes.

Submissions (5):

Labcorp Genetics (formerly Invitae), Labcorp
Classification: Uncertain significance for Cystic fibrosis. Last evaluated: 2022-05-25. Review status: criteria provided, single submitter. Criteria: Invitae Variant Classification Sherloc (09022015). Collection method: clinical testing. Allele origin: germline.
Comment: This sequence change replaces glutamic acid, which is acidic and polar, with aspartic acid, which is acidic and polar, at codon 379 of the CFTR protein (p.Glu379Asp). This variant is present in population databases (rs774308232, gnomAD 0.003%). This variant has not been reported in the literature in individuals affected with CFTR-related conditions. ClinVar contains an entry for this variant (Variation ID: 983514). Algorithms developed to predict the effect of missense changes on protein structure and function (SIFT, PolyPhen-2, Align-GVGD) all suggest that this variant is likely to be disruptive. In summary, the available evidence is currently insufficient to determine the role of this variant in disease. Therefore, it has been classified as a Variant of Uncertain Significance.

Ambry Genetics
Classification: Uncertain significance for Cystic fibrosis. Last evaluated: 2021-11-22. Review status: criteria provided, single submitter. Criteria: Ambry Variant Classification Scheme 2023. Collection method: clinical testing. Allele origin: germline.
Comment: The p.E379D variant (also known as c.1137A>C), located in coding exon 9 of the CFTR gene, results from an A to C substitution at nucleotide position 1137. The glutamic acid at codon 379 is replaced by aspartic acid, an amino acid with highly similar properties. This amino acid position is highly conserved in available vertebrate species. In addition, this alteration is predicted to be deleterious by in silico analysis. Since supporting evidence is limited at this time, the clinical significance of this alteration remains unclear.

Genome-Nilou Lab
Classification: Uncertain significance for Cystic fibrosis. Last evaluated: 2021-09-05. Review status: criteria provided, single submitter. Criteria: ACMG Guidelines, 2015. Collection method: clinical testing. Allele origin: germline. Affected: no.

Johns Hopkins Genomics, Johns Hopkins University
Classification: Uncertain significance for Cystic fibrosis. Last evaluated: 2020-10-23. Review status: criteria provided, single submitter. Criteria: ACMG Guidelines, 2015. Collection method: clinical testing. Allele origin: germline.
Comment: This CFTR variant (rs774308232) is rare (<0.1%) in a large population dataset (gnomAD: 2/250716 total alleles; 0.0008%; no homozygotes) and has not been reported in ClinVar nor the literature, to our knowledge. Of three bioinformatics tools queried, two predict that the substitution would be probably be damaging, while one predicts that it would be tolerated. The glutamic acid residue at this position is evolutionarily conserved across all species assessed. We consider the clinical significance of c.1137A>C to be uncertain at this time.

Quest Diagnostics Nichols Institute San Juan Capistrano
Classification: Uncertain significance. Last evaluated: 2019-08-28. Review status: criteria provided, single submitter. Criteria: Quest Diagnostics criteria. Collection method: clinical testing. Allele origin: unknown.

NM_000492.4(CFTR):c.1137A>C (p.Glu379Asp)

Gene: CFTR (CF transmembrane conductance regulator; plus strand). Cytogenetic location: 7q31.2.
Variant type: single nucleotide variant.
Coding change: c.1137A>C on transcript NM_000492.4 (MANE Select); coding-DNA position 1137, A replaced by C.
Protein change: p.Glu379Asp; replaces glutamic acid 379 with aspartic acid.
Molecular consequence: missense variant.
Genome position (GRCh38, 1-based): chr7:117,542,036, A>C. VCF-style: chr7-117542036-A-C. GRCh37 (hg19) VCF-style: chr7-117182090-A-C.
Other names: short protein forms E379D.
Identifiers: ClinVar variation 983514 (VCV000983514.7), dbSNP rs774308232, ClinGen allele CA4450908.